The following is an entry in ClinVar:

NM_001148.6(ANK2):c.364A>G (p.Asn122Asp)

Gene: ANK2 (ankyrin 2; plus strand). Cytogenetic location: 4q25.
Variant type: single nucleotide variant.
Coding change: c.364A>G on transcript NM_001148.6 (MANE Select); coding-DNA position 364, A replaced by G.
Protein change: p.Asn122Asp; replaces asparagine 122 with aspartic acid.
Molecular consequence: missense variant.
Genome position (GRCh38, 1-based): chr4:113,199,089, A>G. VCF-style: chr4-113199089-A-G. GRCh37 (hg19) VCF-style: chr4-114120245-A-G.
Other names: c.301A>G, p.Asn101Asp (NM_001127493.3, NM_001354239.2, NM_001354243.2 and 33 more transcripts); c.364A>G, p.Asn122Asp (NM_001354225.2, NM_001354228.2, NM_001354232.2 and 9 more transcripts); c.409A>G, p.Asn137Asp (NM_001354230.2, NM_001354231.2, NM_001354237.2 and 5 more transcripts); c.346A>G, p.Asn116Asp (NM_001354261.2, NM_001386147.1, NM_001386160.1); c.352A>G, p.Asn118Asp (NM_001354269.3, NM_001386148.2, NM_001386186.2 and 1 more transcripts); c.415A>G, p.Asn139Asp (NM_001386174.1, NM_001386175.1); short protein forms N101D, N116D, N118D, N122D, N137D, N139D.
Identifiers: ClinVar variation 4800166 (VCV004800166.1).

ClinVar aggregate classification (germline): Uncertain significance (1 of 4 stars; one submission).

Conditions:
Long QT syndrome (LQTS). Identifiers: MedGen C0023976, MeSH D008133, MONDO:0002442. Disease mechanism: loss of function. Inheritance: Various modes of inheritance.

gnomAD v4.1: 9 of 1,611,446 alleles (0.00056%); highest among the groups gnomAD compares: Non-Finnish European, 0.00068%; no homozygotes.

Submission:

Labcorp Genetics (formerly Invitae), Labcorp
Classification: Uncertain significance for Long QT syndrome. Last evaluated: 2025-12-01. Review status: criteria provided, single submitter. Criteria: Invitae Variant Classification Sherloc (09022015). Collection method: clinical testing. Allele origin: germline.
Comment: This sequence change replaces asparagine, which is neutral and polar, with aspartic acid, which is acidic and polar, at codon 122 of the ANK2 protein (p.Asn122Asp). This variant is not present in population databases (gnomAD no frequency). This variant has not been reported in the literature in individuals affected with ANK2-related conditions. Invitae Evidence Modeling of protein sequence and biophysical properties (such as structural, functional, and spatial information, amino acid conservation, physicochemical variation, residue mobility, and thermodynamic stability) indicates that this missense variant is not expected to disrupt ANK2 protein function with a negative predictive value of 80%. In summary, the available evidence is currently insufficient to determine the role of this variant in disease. Therefore, it has been classified as a Variant of Uncertain Significance.